The following is an entry in ClinVar:

NM_001040272.6(ADAMTSL1):c.3830G>A (p.Arg1277Gln)

Gene: ADAMTSL1 (ADAMTS like 1; plus strand). Cytogenetic location: 9p22.1.
Variant type: single nucleotide variant.
Coding change: c.3830G>A on transcript NM_001040272.6 (MANE Select); coding-DNA position 3830, G replaced by A.
Protein change: p.Arg1277Gln; replaces arginine 1277 with glutamine.
Molecular consequence: missense variant.
Genome position (GRCh38, 1-based): chr9:18,817,133, G>A. VCF-style: chr9-18817133-G-A. GRCh37 (hg19) VCF-style: chr9-18817131-G-A.
Other names: short protein forms R1277Q.
Identifiers: ClinVar variation 3029667 (VCV003029667.3), dbSNP rs570893519, ClinGen allele CA4999871.
Genomic context (GRCh38, chr9:18,817,133, plus strand): 5'-CACCAAGTAACATCTCATATTCTTTCTTATCTTCAGGAAAGCCACTAGTGAAAACGTCAC[G>A]AATGACAGTGATCAACACGGAGAAGCCTGCAGTCACAGTCGATATAGGAAGCACCATCAA-3'
Protein context (NP_001035362.3, residues 1267-1287): LAGKPLVKTS[Arg1277Gln]MTVINTEKPA

ClinVar aggregate classification (germline): Uncertain significance. Review status: criteria provided, single submitter (1 of 4 stars). 2 submissions from 2 submitters: Uncertain significance (1). 1 of the submissions does not count toward it. Last evaluated 2025-10-22.

Conditions:
ADAMTSL1-related disorder. Also called: ADAMTSL1-related condition.

Allele frequency attached by ClinVar (database versions not stated): gnomAD 0.00001; TOPMed 0.00002.
gnomAD v4.1: 12 of 1,605,916 alleles (0.00075%); highest among the groups gnomAD compares: East Asian, 0.0045%; no homozygotes.

Submissions (2):

Ambry Genetics
Classification: Uncertain significance. Last evaluated: 2025-10-22. Review status: criteria provided, single submitter. Criteria: Ambry Variant Classification Scheme 2023. Collection method: clinical testing. Allele origin: germline.

PreventionGenetics, part of Exact Sciences
Classification: Uncertain significance for ADAMTSL1-related condition. Last evaluated: 2024-01-19. Review status: no assertion criteria provided. Collection method: clinical testing. Allele origin: germline. Not counted in ClinVar's aggregate classification.
Comment: The ADAMTSL1 c.3830G>A variant is predicted to result in the amino acid substitution p.Arg1277Gln. To our knowledge, this variant has not been reported in the literature. This variant is reported in 0.012% of alleles in individuals of East Asian descent in gnomAD. At this time, the clinical significance of this variant is uncertain due to the absence of conclusive functional and genetic evidence.